The following is an entry in ClinVar:

ClinVar aggregate classification (germline): Uncertain significance (1 of 4 stars; one submission).

Conditions:
Charcot-Marie-Tooth disease type 2. Also called: Charcot-Marie-Tooth type 2. Identifiers: Orphanet 64746, MedGen C0270914, MONDO:0018993.

Submission:

Labcorp Genetics (formerly Invitae), Labcorp
Classification: Uncertain significance for Charcot-Marie-Tooth disease type 2. Last evaluated: 2025-11-05. Review status: criteria provided, single submitter. Criteria: Invitae Variant Classification Sherloc (09022015). Collection method: clinical testing. Allele origin: germline.
Comment: This sequence change replaces lysine, which is basic and polar, with arginine, which is basic and polar, at codon 215 of the MFN2 protein (p.Lys215Arg). This variant is not present in population databases (gnomAD no frequency). This variant has not been reported in the literature in individuals affected with MFN2-related conditions. Invitae Evidence Modeling of protein sequence and biophysical properties (such as structural, functional, and spatial information, amino acid conservation, physicochemical variation, residue mobility, and thermodynamic stability) has been performed for this missense variant. However, the output from this modeling did not meet the statistical confidence thresholds required to predict the impact of this variant on MFN2 protein function. In summary, the available evidence is currently insufficient to determine the role of this variant in disease. Therefore, it has been classified as a Variant of Uncertain Significance.

NM_014874.4(MFN2):c.644A>G (p.Lys215Arg)

Gene: MFN2 (mitofusin 2; plus strand). Cytogenetic location: 1p36.22.
Variant type: single nucleotide variant.
Coding change: c.644A>G on transcript NM_014874.4 (MANE Select); coding-DNA position 644, A replaced by G.
Protein change: p.Lys215Arg; replaces lysine 215 with arginine.
Molecular consequence: missense variant.
Genome position (GRCh38, 1-based): chr1:11,998,814, A>G. VCF-style: chr1-11998814-A-G. GRCh37 (hg19) VCF-style: chr1-12058871-A-G.
Other names: c.644A>G, p.Lys215Arg (NM_001127660.2); short protein forms K215R.
Identifiers: ClinVar variation 4751235 (VCV004751235.1).